The following is an entry in ClinVar:

NM_000179.3(MSH6):c.3129_3130insA (p.Tyr1044fs)

Gene: MSH6 (mutS homolog 6; plus strand). Cytogenetic location: 2p16.3.
Variant type: Insertion.
Coding change: c.3129_3130insA on transcript NM_000179.3 (MANE Select); coding-DNA positions 3129 to 3130, A inserted.
Protein change: p.Tyr1044fs; shifts the reading frame from tyrosine 1044.
Molecular consequence: frameshift variant.
Genome position: GRCh38 VCF-style: chr2-47801112-T-TA. GRCh37 (hg19) VCF-style: chr2-48028251-T-TA.
Other names: c.2739_2740insA, p.Tyr914fs (NM_001281492.2); c.2223_2224insA, p.Tyr742fs (NM_001281493.2, NM_001281494.2); c.3225_3226insA, p.Tyr1076Ilefs (NM_001406795.1, NM_001406802.1); c.3129_3130insA, p.Tyr1044Ilefs (NM_001406796.1, NM_001406798.1, NM_001406800.1 and 2 more transcripts); c.2832_2833insA, p.Tyr945Ilefs (NM_001406797.1, NM_001406801.1, NM_001406805.1 and 10 more transcripts); c.2604_2605insA, p.Tyr869Ilefs (NM_001406799.1, NM_001406806.1, NM_001406807.1); c.3051_3052insA, p.Tyr1018Ilefs (NM_001406804.1); c.2223_2224insA, p.Tyr742Ilefs (NM_001406811.1, NM_001406812.1, NM_001406814.1 and 4 more transcripts); and 3 more; short protein forms Y742fs, Y914fs, Y1044fs.
Identifiers: ClinVar variation 1727918 (VCV001727918.2), dbSNP rs2530715792, ClinGen allele CA2580066813.

ClinVar aggregate classification (germline): Pathogenic (1 of 4 stars; one submission).

Conditions:
Hereditary cancer-predisposing syndrome. Also called: Tumor predisposition; Neoplastic Syndromes, Hereditary; Hereditary Cancer Syndrome; Hereditary neoplastic syndrome. Identifiers: Orphanet 140162, MedGen C0027672, MeSH D009386, MONDO:0015356.

Submission:

Ambry Genetics
Classification: Pathogenic for Hereditary cancer-predisposing syndrome. Last evaluated: 2018-03-23. Review status: criteria provided, single submitter. Criteria: Ambry Variant Classification Scheme 2023. Collection method: clinical testing. Allele origin: germline.
Comment: The c.3129_3130insA pathogenic mutation, located in coding exon 4 of the MSH6 gene, results from an insertion of one nucleotide at position 3129, causing a translational frameshift with a predicted alternate stop codon (p.Y1044Ifs*22). This alteration is expected to result in loss of function by premature protein truncation or nonsense-mediated mRNA decay. As such, this alteration is interpreted as a disease-causing mutation.